The following is an entry in ClinVar:

ClinVar aggregate classification (germline): Benign. Review status: criteria provided, multiple submitters, no conflicts (2 of 4 stars). 7 submissions from 7 submitters: Benign (4). 3 of the submissions do not count toward it. Last evaluated 2026-02-04.

Conditions:
ERBB4-related disorder. Also called: ERBB4-related condition.

Submissions (9):

Labcorp Genetics (formerly Invitae), Labcorp
Classification: Benign. Last evaluated: 2026-02-04. Review status: criteria provided, single submitter. Criteria: Invitae Variant Classification Sherloc (09022015). Collection method: clinical testing. Allele origin: germline.

CeGaT Center for Human Genetics Tuebingen
Classification: Benign. Last evaluated: 2025-10-01. Review status: criteria provided, single submitter. Criteria: CeGaT Center For Human Genetics Tuebingen Variant Classification Criteria Version 2. Collection method: clinical testing. Allele origin: germline. Affected: yes. Observed: 1 variant allele.
Comment: ERBB4: BP4, BS1, BS2

GeneDx
Classification: Benign. Last evaluated: 2021-05-04. Review status: criteria provided, single submitter. Criteria: GeneDx Variant Classification Process June 2021. Collection method: clinical testing. Allele origin: germline. Affected: yes.

Mayo Clinic Laboratories, Mayo Clinic
Classification: Benign. Last evaluated: 2018-04-03. Review status: criteria provided, single submitter. Criteria: ACMG Guidelines, 2015. Collection method: clinical testing. Allele origin: germline. Observed: 68 variant alleles.

PreventionGenetics, part of Exact Sciences
Classification: Benign for ERBB4-related condition. Last evaluated: 2022-02-15. Review status: no assertion criteria provided. Collection method: clinical testing. Allele origin: germline. Not counted in ClinVar's aggregate classification.
Comment: This variant is classified as benign based on ACMG/AMP sequence variant interpretation guidelines (Richards et al. 2015 PMID: 25741868, with internal and published modifications).

Clinical Genetics DNA and cytogenetics Diagnostics Lab, Erasmus MC, Erasmus Medical Center
Classification: Benign. Review status: no assertion criteria provided. Collection method: clinical testing. Allele origin: germline. Affected: yes. Study: VKGL Data-share Consensus. Not counted in ClinVar's aggregate classification.

Dr. Peter K. Rogan Lab, Western University
No classification provided (evidence only). Condition: Hepatocellular carcinoma. Review status: no classification provided. Collection method: in vitro. Allele origin: not applicable. Functional consequence: retained intron. Not counted in ClinVar's aggregate classification.

Dr. Peter K. Rogan Lab, Western University
No classification provided (evidence only). Condition: Ovarian cancer. Review status: no classification provided. Collection method: in vitro. Allele origin: not applicable. Functional consequence: retained intron. Not counted in ClinVar's aggregate classification.

Genome Diagnostics Laboratory, Amsterdam University Medical Center
Classification: Benign. Review status: no assertion criteria provided. Collection method: clinical testing. Allele origin: germline. Affected: yes. Study: VKGL Data-share Consensus. Not counted in ClinVar's aggregate classification.

NM_005235.3(ERBB4):c.2965-7_2965-4del

Gene: ERBB4 (erb-b2 receptor tyrosine kinase 4; minus strand). Cytogenetic location: 2q34.
Variant type: Microsatellite.
Coding change: c.2965-7_2965-4del on transcript NM_005235.3 (MANE Select); 7 bases into the intron before coding-DNA position 2965 through 4 bases into the intron before coding-DNA position 2965, 4 bases deleted (CTTT; older notation c.2965-7_2965-4delCTTT).
Molecular consequence: intron variant.
Genome position (GRCh38, 1-based): chr2:211,420,615-211,420,618, AAAG deleted on the plus strand (CTTT on the coding strand, the reverse complement: ERBB4 is on the minus strand); deleting any 4 consecutive bases within chr2:211,420,615-211,420,623 gives the same sequence; the c. name uses the placement nearest the transcript's 3' end. VCF-style (leftmost placement, unchanged base first): chr2-211420614-AAAAG-A. GRCh37 (hg19) VCF-style: chr2-212285339-AAAAG-A.
Other names: NC_000002.11:g.212285345_212285348del; p.?; c.2965-7_2965-4del (NM_001042599.2); c.2935-7_2935-4del (NM_001439006.1, NM_001439005.1); c.2965-12_2965-9del (NM_005235.3).
Identifiers: ClinVar variation 1209952 (VCV001209952.22), dbSNP rs60420993, ClinGen allele CA2087566.